The following is an entry in ClinVar:

ClinVar aggregate classification (germline): Uncertain significance. Review status: criteria provided, multiple submitters, no conflicts (2 of 4 stars). 2 submissions from 2 submitters: Uncertain significance (2). Last evaluated 2025-03-27.

Conditions:
Inborn genetic diseases. Identifiers: MedGen C0950123, MeSH D030342.

Allele frequency attached by ClinVar (database versions not stated): gnomAD exomes 0.00001; TOPMed 0.00002; ExAC 0.00003; gnomAD 0.00005.
gnomAD v4.1: 23 of 1,613,798 alleles (0.0014%); highest among the groups gnomAD compares: African/African-American, 0.004%; no homozygotes.

Submissions (2):

Labcorp Genetics (formerly Invitae), Labcorp
Classification: Uncertain significance. Last evaluated: 2025-03-27. Review status: criteria provided, single submitter. Criteria: Invitae Variant Classification Sherloc (09022015). Collection method: clinical testing. Allele origin: germline.
Comment: This sequence change replaces alanine, which is neutral and non-polar, with threonine, which is neutral and polar, at codon 758 of the EPAS1 protein (p.Ala758Thr). The frequency data for this variant in the population databases is considered unreliable, as metrics indicate poor data quality at this position in the gnomAD database. This variant has not been reported in the literature in individuals affected with EPAS1-related conditions. ClinVar contains an entry for this variant (Variation ID: 2456357). An algorithm developed to predict the effect of missense changes on protein structure and function outputs the following: PolyPhen-2: "Benign". The threonine amino acid residue is found in multiple mammalian species, which suggests that this missense change does not adversely affect protein function. In summary, the available evidence is currently insufficient to determine the role of this variant in disease. Therefore, it has been classified as a Variant of Uncertain Significance.

Ambry Genetics
Classification: Uncertain significance for Inborn genetic diseases. Last evaluated: 2022-11-20. Review status: criteria provided, single submitter. Criteria: Ambry Variant Classification Scheme 2023. Collection method: clinical testing. Allele origin: germline.
Comment: The p.A758T variant (also known as c.2272G>A), located in coding exon 14 of the EPAS1 gene, results from a G to A substitution at nucleotide position 2272. The alanine at codon 758 is replaced by threonine, an amino acid with similar properties. This amino acid position is conserved. In addition, this alteration is predicted to be tolerated by in silico analysis. Since supporting evidence is limited at this time, the clinical significance of this alteration remains unclear.

NM_001430.5(EPAS1):c.2272G>A (p.Ala758Thr)

Gene: EPAS1 (endothelial PAS domain protein 1; plus strand). Cytogenetic location: 2p21.
Variant type: single nucleotide variant.
Coding change: c.2272G>A on transcript NM_001430.5 (MANE Select); coding-DNA position 2272, G replaced by A.
Protein change: p.Ala758Thr; replaces alanine 758 with threonine.
Molecular consequence: missense variant.
Genome position (GRCh38, 1-based): chr2:46,382,074, G>A. VCF-style: chr2-46382074-G-A. GRCh37 (hg19) VCF-style: chr2-46609213-G-A.
Other names: short protein forms A758T.
Identifiers: ClinVar variation 2456357 (VCV002456357.3), dbSNP rs747905660, ClinGen allele CA1645280.